The following is an entry in ClinVar:

ClinVar aggregate classification (germline): Uncertain significance (1 of 4 stars; one submission).

gnomAD v4.1: 32 of 1,614,062 alleles (0.002%); highest among the groups gnomAD compares: Non-Finnish European, 0.0025%; no homozygotes.

Submission:

Labcorp Genetics (formerly Invitae), Labcorp
Classification: Uncertain significance. Last evaluated: 2024-08-31. Review status: criteria provided, single submitter. Criteria: Invitae Variant Classification Sherloc (09022015). Collection method: clinical testing. Allele origin: germline.
Comment: This sequence change replaces arginine, which is basic and polar, with tryptophan, which is neutral and slightly polar, at codon 160 of the FGF23 protein (p.Arg160Trp). This variant is present in population databases (rs781007951, gnomAD 0.002%). This variant has not been reported in the literature in individuals affected with FGF23-related conditions. Invitae Evidence Modeling of protein sequence and biophysical properties (such as structural, functional, and spatial information, amino acid conservation, physicochemical variation, residue mobility, and thermodynamic stability) has been performed for this missense variant. However, the output from this modeling did not meet the statistical confidence thresholds required to predict the impact of this variant on FGF23 protein function. In summary, the available evidence is currently insufficient to determine the role of this variant in disease. Therefore, it has been classified as a Variant of Uncertain Significance.

NM_020638.3(FGF23):c.478C>T (p.Arg160Trp)

Gene: FGF23 (fibroblast growth factor 23; minus strand). Cytogenetic location: 12p13.32.
Variant type: single nucleotide variant.
Coding change: c.478C>T on transcript NM_020638.3 (MANE Select); coding-DNA position 478, C replaced by T.
Protein change: p.Arg160Trp; replaces arginine 160 with tryptophan.
Molecular consequence: missense variant.
Genome position (GRCh38, 1-based): chr12:4,370,621, G>A on the plus strand (C>T on the coding strand, the complement: FGF23 is on the minus strand). VCF-style: chr12-4370621-G-A. GRCh37 (hg19) VCF-style: chr12-4479787-G-A.
Other names: short protein forms R160W.
Identifiers: ClinVar variation 3708512 (VCV003708512.2).